The following is an entry in ClinVar:

ClinVar aggregate classification (germline): Uncertain significance (1 of 4 stars; one submission).

Conditions:
Autosomal recessive nonsyndromic hearing loss 18B. Also called: Deafness, autosomal recessive 18b. Identifiers: Orphanet 90636, MedGen C3554163, MONDO:0013985, OMIM 614945.

gnomAD v4.1: 10 of 1,549,608 alleles (0.00065%); highest among the groups gnomAD compares: Admixed American, 0.002%; no homozygotes.

Submission:

Neuberg Centre For Genomic Medicine, NCGM
Classification: Uncertain significance for Autosomal recessive nonsyndromic hearing loss 18B. Last evaluated: 2023-07-22. Review status: criteria provided, single submitter. Criteria: ACMG Guidelines, 2015. Collection method: clinical testing. Allele origin: germline. Inheritance: Autosomal recessive inheritance. Affected: yes.
Comment: The observed splice region c.6293-3C>T variant in OTOG gene has not been reported previously as a pathogenic variant nor as a benign variant, to our knowledge. The c.6293-3C>T variant is present with allele frequency of 0.001% in gnomAD Exomes. This variant has not been submitted to the ClinVar database. SpliceAI predicts this variant to cause splice donor gainscore-0.04. For these reasons, this variant has been classified as Variant of Uncertain Significance VUS.

NM_001292063.2(OTOG):c.6293-3C>T

Gene: OTOG (otogelin; plus strand). Cytogenetic location: 11p15.1.
Variant type: single nucleotide variant.
Coding change: c.6293-3C>T on transcript NM_001292063.2 (MANE Select); 3 bases into the intron before coding-DNA position 6293, C replaced by T.
Molecular consequence: intron variant.
Genome position (GRCh38, 1-based): chr11:17,612,617, C>T. VCF-style: chr11-17612617-C-T. GRCh37 (hg19) VCF-style: chr11-17634164-C-T.
Other names: c.6329-3C>T (NM_001277269.2).
Identifiers: ClinVar variation 3393436 (VCV003393436.1).